The following is an entry in ClinVar:

ClinVar aggregate classification (germline): Likely benign. Review status: criteria provided, multiple submitters, no conflicts (2 of 4 stars). 3 submissions from 3 submitters: Likely benign (3). Last evaluated 2026-02-01.

Allele frequency attached by ClinVar (database versions not stated): TOPMed 0.00002; gnomAD 0.00004; gnomAD exomes 0.00004; ExAC 0.00007.

Submissions (3):

CeGaT Center for Human Genetics Tuebingen
Classification: Likely benign. Last evaluated: 2026-02-01. Review status: criteria provided, single submitter. Criteria: CeGaT Center For Human Genetics Tuebingen Variant Classification Criteria Version 2. Collection method: clinical testing. Allele origin: germline. Affected: yes. Observed: 1 variant allele.
Comment: PYCR1: BP4, BP7

Labcorp Genetics (formerly Invitae), Labcorp
Classification: Likely benign. Last evaluated: 2026-01-19. Review status: criteria provided, single submitter. Criteria: Invitae Variant Classification Sherloc (09022015). Collection method: clinical testing. Allele origin: germline.

GeneDx
Classification: Likely benign. Last evaluated: 2020-02-26. Review status: criteria provided, single submitter. Criteria: GeneDx Variant Classification Process June 2021. Collection method: clinical testing. Allele origin: germline. Affected: yes.

NM_006907.4(PYCR1):c.507C>T (p.Ala169=)

Gene: PYCR1 (pyrroline-5-carboxylate reductase 1; minus strand). Cytogenetic location: 17q25.3.
Variant type: single nucleotide variant.
Coding change: c.507C>T on transcript NM_006907.4 (MANE Select); coding-DNA position 507, C replaced by T.
Protein change: p.Ala169=; no amino-acid change (alanine 169 retained).
Molecular consequence: synonymous variant.
Genome position (GRCh38, 1-based): chr17:81,934,959, G>A on the plus strand (C>T on the coding strand, the complement: PYCR1 is on the minus strand). VCF-style: chr17-81934959-G-A. GRCh37 (hg19) VCF-style: chr17-79892835-G-A.
Other names: c.507C>T, p.Ala169= (NM_001282279.2, NM_001282280.2, NM_001330523.2 and 1 more transcripts); c.588C>T, p.Ala196= (NM_001282281.2).
Identifiers: ClinVar variation 1198294 (VCV001198294.11), dbSNP rs759045792, ClinGen allele CA8845428.
Genomic context (GRCh38, chr17:81,934,959, plus strand): 5'-GCCGCCAGCTTCCCCCGCAGTCCTTACGTAGGCGGGGCCGCTGCCACTGAGCCCCGTGAC[G>A]GCATCAATCAGGTCCTCTTCCACCTCCGTGCAGAAGCCCACGCTGCTCAGCAGCTGCTCC-3'
Protein context (NP_008838.2, residues 159-179): CTEVEEDLID[Ala169=]VTGLSGSGPA